The following is an entry in ClinVar:

ClinVar aggregate classification (germline): Uncertain significance (1 of 4 stars; one submission).

Conditions:
Immunodeficiency 35 (IMD35). Also called: Susceptibility to infection due to TYK2 deficiency; HIES WITH ATYPICAL MYCOBACTERIOSIS, AUTOSOMAL RECESSIVE; HYPER-IgE SYNDROME WITH ATYPICAL MYCOBACTERIOSIS, AUTOSOMAL RECESSIVE; TYK2 DEFICIENCY. Identifiers: Orphanet 331226, MedGen C1969086, MONDO:0012682, OMIM 611521.

Submission:

Center for Genomics, Ann and Robert H. Lurie Children's Hospital of Chicago
Classification: Uncertain significance for Immunodeficiency 35. Last evaluated: 2021-12-22. Review status: criteria provided, single submitter. Criteria: ACMG Guidelines, 2015. Collection method: clinical testing. Allele origin: germline.
Comment: TYK2 NM_003331.5 exon 24 p.Leu1111Phe (c.3331C>T): This variant has not been reported in the literature and is not present in large control databases. Evolutionary conservation and computational predictive tools for this variant are unclear. In summary, data on this variant is insufficient for disease classification. Therefore, the clinical significance of this variant is uncertain.

NM_003331.5(TYK2):c.3331C>T (p.Leu1111Phe)

Gene: TYK2 (tyrosine kinase 2; minus strand). Cytogenetic location: 19p13.2.
Variant type: single nucleotide variant.
Coding change: c.3331C>T on transcript NM_003331.5 (MANE Select); coding-DNA position 3331, C replaced by T.
Protein change: p.Leu1111Phe; replaces leucine 1111 with phenylalanine.
Molecular consequence: missense variant. On other transcripts: intron variant (1).
Genome position (GRCh38, 1-based): chr19:10,351,150, G>A on the plus strand (C>T on the coding strand, the complement: TYK2 is on the minus strand). VCF-style: chr19-10351150-G-A. GRCh37 (hg19) VCF-style: chr19-10461826-G-A.
Other names: c.3181C>T, p.Leu1061Phe (NM_001385198.1); c.3145C>T, p.Leu1049Phe (NM_001385199.1); c.3328C>T, p.Leu1110Phe (NM_001385200.1); c.3133C>T, p.Leu1045Phe (NM_001385201.1); c.3247C>T, p.Leu1083Phe (NM_001385202.1); c.3412C>T, p.Leu1138Phe (NM_001385203.1); c.3541C>T, p.Leu1181Phe (NM_001385204.1); c.3241C>T, p.Leu1081Phe (NM_001385205.1); and 4 more; short protein forms L1045F, L1049F, L1061F, L1069F, L1081F, L1083F, L1105F, L1110F.
Identifiers: ClinVar variation 2500107 (VCV002500107.1), dbSNP rs2512436245, ClinGen allele CA403980750.